The following is an entry in ClinVar:

ClinVar aggregate classification (germline): Uncertain significance. Review status: criteria provided, multiple submitters, no conflicts (2 of 4 stars). 5 submissions from 5 submitters: Uncertain significance (5). Last evaluated 2025-11-28.

Conditions:
Familial thoracic aortic aneurysm and aortic dissection (TAAD). Also called: Thoracic aortic aneurysms and dissections. Identifiers: Orphanet 91387, MedGen C4707243, MONDO:0019625.
Marfan syndrome (MFS). Also called: FBN1-Related Marfan Syndrome; Marfan syndrome type 1; Marfan's syndrome; Marfan syndrome, classic; MARFAN SYNDROME, TYPE I. Identifiers: Orphanet 284963, Orphanet 558, MedGen C0024796, MONDO:0007947, OMIM 154700.

Allele frequency attached by ClinVar (database versions not stated): TOPMed below 0.00001; gnomAD exomes below 0.00001; gnomAD 0.00001.
gnomAD v4.1: 2 of 1,612,548 alleles (0.00012%); highest among the groups gnomAD compares: African/African-American, 0.0013%; no homozygotes.

Submissions (5):

Dasa
Classification: Uncertain significance. Last evaluated: 2025-11-28. Review status: criteria provided, single submitter. Criteria: DASA Assertion Criteria. Collection method: clinical testing. Allele origin: germline.
Comment: NM_000138.5(FBN1):c.2684T>C (p.Ile895Thr) is a missense variant that results in the substitution of isoleucine with threonine. This variant is rare in population databases. The currently available literature and clinical evidence are not sufficient to establish a definitive association between this variant and the reported condition. Therefore, this variant is classified as a variant of uncertain significance.

Labcorp Genetics (formerly Invitae), Labcorp
Classification: Uncertain significance for Marfan syndrome; Familial thoracic aortic aneurysm and aortic dissection. Last evaluated: 2025-02-20. Review status: criteria provided, single submitter. Criteria: Invitae Variant Classification Sherloc (09022015). Collection method: clinical testing. Allele origin: germline.
Comment: This sequence change replaces isoleucine, which is neutral and non-polar, with threonine, which is neutral and polar, at codon 895 of the FBN1 protein (p.Ile895Thr). This variant is not present in population databases (gnomAD no frequency). This missense change has been observed in individual(s) with clinical features of FBN1-related conditions (internal data). ClinVar contains an entry for this variant (Variation ID: 569691). Invitae Evidence Modeling of protein sequence and biophysical properties (such as structural, functional, and spatial information, amino acid conservation, physicochemical variation, residue mobility, and thermodynamic stability) indicates that this missense variant is not expected to disrupt FBN1 protein function with a negative predictive value of 95%. In summary, the available evidence is currently insufficient to determine the role of this variant in disease. Therefore, it has been classified as a Variant of Uncertain Significance.

All of Us Research Program, National Institutes of Health
Classification: Uncertain significance for Marfan syndrome. Last evaluated: 2024-04-25. Review status: criteria provided, single submitter. Criteria: ACMG Guidelines, 2015. Collection method: clinical testing. Allele origin: germline. Inheritance: Autosomal dominant inheritance. Observed: 2 variant alleles, 2 heterozygotes.
Comment: This missense variant replaces isoleucine with threonine at codon 895 of the FBN1 protein. Computational prediction suggests that this variant may not impact protein structure and function (internally defined REVEL score threshold <= 0.5, PMID: 27666373). To our knowledge, functional studies have not been reported for this variant. This variant has not been reported in individuals affected with FBN1-related disorders in the literature. This variant has not been identified in the general population by the Genome Aggregation Database (gnomAD). The available evidence is insufficient to determine the role of this variant in disease conclusively. Therefore, this variant is classified as a Variant of Uncertain Significance.

This study involves interpretation of variants in research participants for the purpose of population health screening. Participant phenotype was not available at the time of variant classification. Additional details can be found in publication PMID: 35346344, PMCID: PMC8962531

GeneDx
Classification: Uncertain significance. Last evaluated: 2024-04-15. Review status: criteria provided, single submitter. Criteria: GeneDx Variant Classification Process June 2021. Collection method: clinical testing. Allele origin: germline. Affected: yes.
Comment: Not observed at significant frequency in large population cohorts (gnomAD); In silico analysis indicates that this missense variant does not alter protein structure/function; Has not been previously published as pathogenic or benign to our knowledge

Ambry Genetics
Classification: Uncertain significance for Familial thoracic aortic aneurysm and aortic dissection. Last evaluated: 2023-01-10. Review status: criteria provided, single submitter. Criteria: Ambry Variant Classification Scheme 2023. Collection method: clinical testing. Allele origin: germline.
Comment: The p.I895T variant (also known as c.2684T>C), located in coding exon 22 of the FBN1 gene, results from a T to C substitution at nucleotide position 2684. The isoleucine at codon 895 is replaced by threonine, an amino acid with similar properties. This amino acid position is well conserved in available vertebrate species. In addition, the in silico prediction for this alteration is inconclusive. Since supporting evidence is limited at this time, the clinical significance of this alteration remains unclear.

NM_000138.5(FBN1):c.2684T>C (p.Ile895Thr)

Gene: FBN1 (fibrillin 1; minus strand). Cytogenetic location: 15q21.1.
Variant type: single nucleotide variant.
Coding change: c.2684T>C on transcript NM_000138.5 (MANE Select); coding-DNA position 2684, T replaced by C.
Protein change: p.Ile895Thr; replaces isoleucine 895 with threonine.
Molecular consequence: missense variant.
Genome position (GRCh38, 1-based): chr15:48,494,248, A>G on the plus strand (T>C on the coding strand, the complement: FBN1 is on the minus strand). VCF-style: chr15-48494248-A-G. GRCh37 (hg19) VCF-style: chr15-48786445-A-G.
Other names: short protein forms I895T.
Identifiers: ClinVar variation 569691 (VCV000569691.15), dbSNP rs1488064078, ClinGen allele CA392331726.